The following is an entry in ClinVar:

NM_004370.6(COL12A1):c.1127G>C (p.Arg376Pro)

Gene: COL12A1 (collagen type XII alpha 1 chain; minus strand). Cytogenetic location: 6q13.
Variant type: single nucleotide variant.
Coding change: c.1127G>C on transcript NM_004370.6 (MANE Select); coding-DNA position 1127, G replaced by C.
Protein change: p.Arg376Pro; replaces arginine 376 with proline.
Molecular consequence: missense variant. On other transcripts: intron variant (2).
Genome position (GRCh38, 1-based): chr6:75,184,015, C>G on the plus strand (G>C on the coding strand, the complement: COL12A1 is on the minus strand). VCF-style: chr6-75184015-C-G. GRCh37 (hg19) VCF-style: chr6-75893731-C-G.
Other names: c.1127G>C, p.Arg376Pro (NM_001424113.1, NM_001424114.1, NM_001424115.1); c.73+18705G>C (NM_001424116.1, NM_080645.3); short protein forms R376P.
Identifiers: ClinVar variation 4783099 (VCV004783099.1).

ClinVar aggregate classification (germline): Uncertain significance (1 of 4 stars; one submission).

Conditions:
Ullrich congenital muscular dystrophy 2 (UCMD2). Identifiers: Orphanet 75840, MedGen C4225314, MONDO:0014654, OMIM 616470.
Bethlem myopathy 2 (BTHLM2). Identifiers: Orphanet 536516, Orphanet 610, MedGen C4225313, MONDO:0034022, OMIM 616471.

gnomAD v4.1: 1 of 1,614,144 alleles (0.000062%); highest among the groups gnomAD compares: South Asian, 0.0011%; no homozygotes.

Submission:

Labcorp Genetics (formerly Invitae), Labcorp
Classification: Uncertain significance for Bethlem myopathy 2; Ullrich congenital muscular dystrophy 2. Last evaluated: 2025-07-05. Review status: criteria provided, single submitter. Criteria: Invitae Variant Classification Sherloc (09022015). Collection method: clinical testing. Allele origin: germline.
Comment: This sequence change replaces arginine, which is basic and polar, with proline, which is neutral and non-polar, at codon 376 of the COL12A1 protein (p.Arg376Pro). This variant is not present in population databases (gnomAD no frequency). This variant has not been reported in the literature in individuals affected with COL12A1-related conditions. Invitae Evidence Modeling of protein sequence and biophysical properties (such as structural, functional, and spatial information, amino acid conservation, physicochemical variation, residue mobility, and thermodynamic stability) indicates that this missense variant is not expected to disrupt COL12A1 protein function with a negative predictive value of 80%. In summary, the available evidence is currently insufficient to determine the role of this variant in disease. Therefore, it has been classified as a Variant of Uncertain Significance.